The following is an entry in ClinVar:

ClinVar aggregate classification (germline): Pathogenic (1 of 4 stars; one submission).

Conditions:
VPS13A-related neurodegenerative disease. Also called: ACANTHOCYTOSIS WITH NEUROLOGIC DISORDER; LEVINE-CRITCHLEY SYNDROME; Choreoacanthocytosis; Chorea-acanthocytosis; Choreaacanthocytosis; VPS13A Disease. Identifiers: Orphanet 2388, MedGen C0393576, MONDO:0008695, OMIM 200150.

Submission:

Myriad Genetics, Inc.
Classification: Pathogenic for VPS13A-related neurodegenerative disease. Last evaluated: 2024-05-14. Review status: criteria provided, single submitter. Criteria: Myriad Autosomal Dominant, Autosomal Recessive and X-Linked Classification Criteria (2023). Collection method: clinical testing. Allele origin: unknown.
Comment: NM_033305.2(VPS13A):c.4346delC(S1449Ffs*5) is expected to be pathogenic in the context of VPS13A disease. This variant is predicted to lead to an abnormal or absent protein product due to the creation of a premature termination codon in VPS13A, a gene where loss-of-function variants are known to be pathogenic. Please note: this variant was assessed in the context of healthy population screening.

NM_033305.3(VPS13A):c.4346del (p.Ser1449fs)

Gene: VPS13A (vacuolar protein sorting 13 homolog A; plus strand). Cytogenetic location: 9q21.2.
Variant type: Deletion.
Coding change: c.4346del on transcript NM_033305.3 (MANE Select); coding-DNA position 4346, one base deleted (C; older notation c.4346delC).
Protein change: p.Ser1449fs; shifts the reading frame from serine 1449.
Molecular consequence: frameshift variant.
Genome position (GRCh38, 1-based): chr9:77,314,598, C deleted. VCF-style (leftmost placement, unchanged base first): chr9-77314597-TC-T. GRCh37 (hg19) VCF-style: chr9-79929513-TC-T.
Other names: c.4229del, p.Ser1410fs (NM_001018037.2); c.4346del, p.Ser1449fs (NM_001018038.3, NM_015186.4); short protein forms S1410fs, S1449fs.
Identifiers: ClinVar variation 5011754 (VCV005011754.1).
Genomic context (GRCh38, chr9:77,314,597, plus strand): 5'-GAATTTAAATTGGAGAATATTATAAGTACTTTAAAAATGTATACAGATGGCTCAACATTT[TC>T]TTCCTTCTCATTAAAAAACTGTATTTTAGATGATAAAAGACCTCATGTCAAGAAAGCAAC-3'